The following is an entry in ClinVar:

ClinVar aggregate classification (germline): Uncertain significance (1 of 4 stars; one submission).

Conditions:
Tuberous sclerosis 1 (TSC1). Identifiers: Orphanet 805, MedGen C1854465, MONDO:0008612, OMIM 191100.

Submission:

Labcorp Genetics (formerly Invitae), Labcorp
Classification: Uncertain significance for Tuberous sclerosis 1. Last evaluated: 2025-05-14. Review status: criteria provided, single submitter. Criteria: Invitae Variant Classification Sherloc (09022015). Collection method: clinical testing. Allele origin: germline.
Comment: This sequence change replaces alanine, which is neutral and non-polar, with glycine, which is neutral and non-polar, at codon 883 of the TSC1 protein (p.Ala883Gly). This variant is not present in population databases (gnomAD no frequency). This variant has not been reported in the literature in individuals affected with TSC1-related conditions. Invitae Evidence Modeling of protein sequence and biophysical properties (such as structural, functional, and spatial information, amino acid conservation, physicochemical variation, residue mobility, and thermodynamic stability) indicates that this missense variant is not expected to disrupt TSC1 protein function with a negative predictive value of 95%. In summary, the available evidence is currently insufficient to determine the role of this variant in disease. Therefore, it has been classified as a Variant of Uncertain Significance.

NM_000368.5(TSC1):c.2648C>G (p.Ala883Gly)

Gene: TSC1 (TSC complex subunit 1; minus strand). Cytogenetic location: 9q34.13.
Variant type: single nucleotide variant.
Coding change: c.2648C>G on transcript NM_000368.5 (MANE Select); coding-DNA position 2648, C replaced by G.
Protein change: p.Ala883Gly; replaces alanine 883 with glycine.
Molecular consequence: missense variant. On other transcripts: non-coding transcript variant (5).
Genome position (GRCh38, 1-based): chr9:132,897,588, G>C on the plus strand (C>G on the coding strand, the complement: TSC1 is on the minus strand). VCF-style: chr9-132897588-G-C. GRCh37 (hg19) VCF-style: chr9-135772975-G-C.
Other names: c.2606C>G, p.Ala869Gly (NM_001406606.1, NM_001406607.1, NM_001406605.1); c.2603C>G, p.Ala868Gly (NM_001406608.1, NM_001406609.1); c.2495C>G, p.Ala832Gly (NM_001406610.1, NM_001162427.2); c.2492C>G, p.Ala831Gly (NM_001406611.1, NM_001406612.1); c.2450C>G, p.Ala817Gly (NM_001406613.1); c.2285C>G, p.Ala762Gly (NM_001406614.1, NM_001406615.1, NM_001362177.2 and 4 more transcripts); c.2645C>G, p.Ala882Gly (NM_001162426.2, NM_001406597.1, NM_001406598.1 and 2 more transcripts); c.2648C>G, p.Ala883Gly (NM_001406592.1, NM_001406593.1, NM_001406594.1 and 2 more transcripts); and 8 more; short protein forms A817G, A883G, A565G, A747G, A748G, A762G, A868G, A877G.
Identifiers: ClinVar variation 4709613 (VCV004709613.1).
Genomic context (GRCh38, chr9:132,897,588, plus strand): 5'-TCAAGCCTCTGAGTCTGCTGGAGAACATGGCTTCTGTTTTTTTCTAGCTCTTTCCGATAG[G>C]CGGCTTTCATCATTTCTACTTCCTGAAAAAAAAAAAAAAAAAAGACTGGAATTAGTACTT-3'
Protein context (NP_000359.1, residues 873-893): TTKEVEMMKA[Ala883Gly]YRKELEKNRS